The following is an entry in ClinVar:

NM_015178.3(RHOBTB2):c.1A>G (p.Met1Val)

Gene: RHOBTB2 (Rho related BTB domain containing 2; plus strand). Cytogenetic location: 8p21.3.
Variant type: single nucleotide variant.
Coding change: c.1A>G on transcript NM_015178.3 (MANE Select); coding-DNA position 1, A replaced by G.
Protein change: p.Met1Val; changes the start codon (methionine 1).
Molecular consequence: missense variant, initiator codon variant.
Genome position (GRCh38, 1-based): chr8:23,004,435, A>G. VCF-style: chr8-23004435-A-G. GRCh37 (hg19) VCF-style: chr8-22861948-A-G.
Other names: c.67A>G, p.Met23Val (NM_001160036.2); c.22A>G, p.Met8Val (NM_001160037.2); c.1A>G, p.Met1Val (NM_001374791.1); short protein forms M1V, M8V, M23V.
Identifiers: ClinVar variation 2810760 (VCV002810760.3), dbSNP rs2486992683, ClinGen allele CA370558004.
Genomic context (GRCh38, chr8:23,004,435, plus strand): 5'-GGCGAGCTGGCATGCCATGCCGTCCTGACCGCCTCCCTCCTCTCCCTCAGGTCCCGTTTA[A>G]TGGATTCTGACATGGATTATGAAAGGCCAAACGTAGAGACCATCAAGTGCGTTGTGGTGG-3'
Protein context (NP_055993.2, residues 1-11): [Met1Val]DSDMDYERPN

ClinVar aggregate classification (germline): Uncertain significance (1 of 4 stars; one submission).

Allele frequency attached by ClinVar (database versions not stated): gnomAD exomes below 0.00001.

Submission:

Labcorp Genetics (formerly Invitae), Labcorp
Classification: Uncertain significance. Last evaluated: 2022-10-30. Review status: criteria provided, single submitter. Criteria: Invitae Variant Classification Sherloc (09022015). Collection method: clinical testing. Allele origin: germline.
Comment: This variant has not been reported in the literature in individuals affected with RHOBTB2-related conditions. In summary, the available evidence is currently insufficient to determine the role of this variant in disease. Therefore, it has been classified as a Variant of Uncertain Significance. Algorithms developed to predict the effect of missense changes on protein structure and function are either unavailable or do not agree on the potential impact of this missense change (SIFT: "Deleterious"; PolyPhen-2: "Benign"; Align-GVGD: "Class C0"). This variant is not present in population databases (gnomAD no frequency). This sequence change replaces methionine, which is neutral and non-polar, with valine, which is neutral and non-polar, at codon 23 of the RHOBTB2 protein (p.Met23Val).